The following is an entry in ClinVar:

NM_001376.5(DYNC1H1):c.5985C>T (p.Ala1995=)

Gene: DYNC1H1 (dynein cytoplasmic 1 heavy chain 1; plus strand). Cytogenetic location: 14q32.31.
Variant type: single nucleotide variant.
Coding change: c.5985C>T on transcript NM_001376.5 (MANE Select); coding-DNA position 5985, C replaced by T.
Protein change: p.Ala1995=; no amino-acid change (alanine 1995 retained).
Molecular consequence: synonymous variant.
Genome position (GRCh38, 1-based): chr14:102,009,850, C>T. VCF-style: chr14-102009850-C-T. GRCh37 (hg19) VCF-style: chr14-102476187-C-T.
Identifiers: ClinVar variation 210873 (VCV000210873.70), dbSNP rs140841480, ClinGen allele CA209532.

ClinVar aggregate classification (germline): Conflicting classifications of pathogenicity. Review status: criteria provided, conflicting classifications (1 of 4 stars). 11 submissions from 10 submitters: Uncertain significance (1); Benign (3); Likely benign (6). 1 of the submissions does not count toward it. Last evaluated 2026-06-01.

Conditions:
DYNC1H1-related disorder. Also called: DYNC1H1-related condition; DYNC1H1-related disorders. Identifiers: MedGen CN381529.
Charcot-Marie-Tooth disease axonal type 2O. Also called: Charcot-Marie-Tooth disease, axonal, type 20; CHARCOT-MARIE-TOOTH NEUROPATHY, AXONAL, TYPE 2O; CHARCOT-MARIE-TOOTH DISEASE, AXONAL, AUTOSOMAL DOMINANT, TYPE 2O; Charcot-Marie-Tooth Neuropathy Type 2O. Identifiers: Orphanet 284232, MedGen C3280220, MONDO:0013644, OMIM 614228.
Inborn genetic diseases. Identifiers: MedGen C0950123, MeSH D030342.
Autosomal dominant cerebellar ataxia. Also called: Spinocerebellar Ataxia, Dominant. Identifiers: Orphanet 99, MedGen C4087347, MONDO:0020380.
Charcot-Marie-Tooth disease. Also called: Charcot-Marie-Tooth Hereditary Neuropathy; Charcot-Marie-Tooth Neuropathy. Identifiers: Orphanet 166, MedGen C0007959, MONDO:0015626.
Autosomal dominant childhood-onset proximal spinal muscular atrophy without contractures. Also called: KUGELBERG-WELANDER SYNDROME, AUTOSOMAL DOMINANT; SPINAL MUSCULAR ATROPHY, CHILDHOOD, PROXIMAL, AUTOSOMAL DOMINANT; Spinal muscular atrophy, lower extremity-predominant 1, AD; SPINAL MUSCULAR ATROPHY, JUVENILE, PROXIMAL, AUTOSOMAL DOMINANT. Identifiers: Orphanet 209341, Orphanet 363447, MedGen C5780022, MONDO:0008026, OMIM 158600.
Cortical dysplasia, complex, with other brain malformations 13. Also called: Intellectual disability, autosomal dominant 13. Identifiers: MedGen C3281202, MONDO:0013805, OMIM 614563.

Allele frequency attached by ClinVar (database versions not stated): ESP Exome Variant Server 0.00038; gnomAD exomes 0.00049; ExAC 0.00053; TOPMed 0.00053; gnomAD 0.00054 and 0.00059.
gnomAD v4.1: 1,038 of 1,613,936 alleles (0.064%); highest among the groups gnomAD compares: Admixed American, 0.085%; no homozygotes.

Submissions (11):

CeGaT Center for Human Genetics Tuebingen
Classification: Likely benign. Last evaluated: 2026-06-01. Review status: criteria provided, single submitter. Criteria: CeGaT Center For Human Genetics Tuebingen Variant Classification Criteria Version 2. Collection method: clinical testing. Allele origin: germline. Affected: yes. Observed: 8 variant alleles.
Comment: DYNC1H1: BP4, BP7

Labcorp Genetics (formerly Invitae), Labcorp
Classification: Benign for Charcot-Marie-Tooth disease axonal type 2O. Last evaluated: 2026-01-19. Review status: criteria provided, single submitter. Criteria: Invitae Variant Classification Sherloc (09022015). Collection method: clinical testing. Allele origin: germline.

Blueprint Genetics
Classification: Likely benign. Last evaluated: 2024-11-12. Review status: criteria provided, single submitter. Criteria: ACMG Guidelines, 2015. Collection method: clinical testing. Allele origin: germline.

GeneDx
Classification: Benign. Last evaluated: 2019-04-18. Review status: criteria provided, single submitter. Criteria: GeneDx Variant Classification Process June 2021. Collection method: clinical testing. Allele origin: germline. Affected: yes.

Illumina Laboratory Services, Illumina
Classification: Likely benign for Charcot-Marie-Tooth disease axonal type 2O. Last evaluated: 2018-01-12. Review status: criteria provided, single submitter. Criteria: ICSL Variant Classification Criteria 13 December 2019. Collection method: clinical testing. Allele origin: germline.
Comment: This variant was observed in the ICSL laboratory as part of a predisposition screen in an ostensibly healthy population. It had not been previously curated by ICSL or reported in the Human Gene Mutation Database (HGMD: prior to June 1st, 2018), and was therefore a candidate for classification through an automated scoring system. Utilizing variant allele frequency, disease prevalence and penetrance estimates, and inheritance mode, an automated score was calculated to assess if this variant is too frequent to cause the disease. Based on the score and internal cut-off values, a variant classified as likely benign is not then subjected to further curation. The score for this variant resulted in a classification of likely benign for this disease.

Illumina Laboratory Services, Illumina
Classification: Likely benign for Spinocerebellar Ataxia, Dominant. Last evaluated: 2018-01-12. Review status: criteria provided, single submitter. Criteria: ICSL Variant Classification Criteria 13 December 2019. Collection method: clinical testing. Allele origin: germline.
Comment: the same text as in the submission from Illumina Laboratory Services, Illumina above.

Genetic Services Laboratory, University of Chicago
Classification: Benign. Last evaluated: 2017-05-30. Review status: criteria provided, single submitter. Criteria: ACMG Guidelines, 2015. Collection method: clinical testing. Allele origin: germline. Affected: no.

Ambry Genetics
Classification: Likely benign for Inborn genetic diseases. Last evaluated: 2017-05-22. Review status: criteria provided, single submitter. Criteria: Ambry Variant Classification Scheme 2023. Collection method: clinical testing. Allele origin: germline.

Center for Genomics, Ann and Robert H. Lurie Children's Hospital of Chicago
Classification: Uncertain significance for Charcot-Marie-Tooth disease axonal type 2O; Autosomal dominant childhood-onset proximal spinal muscular atrophy without contractures; Cortical dysplasia, complex, with other brain malformations 13. Review status: criteria provided, single submitter. Criteria: ACMG Guidelines, 2015. Collection method: clinical testing. Allele origin: germline.
Comment: DYNC1H1 NM_001376 exon 30 p.Ala1995Ala (c.5985C>T): This variant has not been reported in the literature but is present in 103/126648 European alleles, including 1 homozygote in the Genome Aggregation Database. This variant is present in ClinVar (Variation ID:210873). Evolutionary conservation and computational predictive tools for this variant are limited or unavailable. Of note, this variant is a silent variant and does not change the amino acid, reducing the probability that this variant is disease causing. In summary, data on this variant is insufficient for disease classification. Therefore, the clinical significance of this variant is uncertain.

Molecular Genetics Laboratory, London Health Sciences Centre
Classification: Likely benign for Charcot-Marie-Tooth disease. Review status: criteria provided, single submitter. Criteria: ACMG Guidelines, 2015. Collection method: clinical testing. Allele origin: germline. Affected: yes.

PreventionGenetics, part of Exact Sciences
Classification: Likely benign for DYNC1H1-related condition. Last evaluated: 2019-12-20. Review status: no assertion criteria provided. Collection method: clinical testing. Allele origin: germline. Not counted in ClinVar's aggregate classification.
Comment: This variant is classified as likely benign based on ACMG/AMP sequence variant interpretation guidelines (Richards et al. 2015 PMID: 25741868, with internal and published modifications).